The following is an entry in ClinVar:

ClinVar aggregate classification (germline): Pathogenic (1 of 4 stars; one submission).

Conditions:
Pulmonary hypertension, primary, 1 (PPH1). Also called: Pulmonary hypertension, familial primary, 1, with or without HHT. Identifiers: Orphanet 422, MedGen C4552070, MONDO:0024533, OMIM 178600.

Submission:

Juno Genomics, Hangzhou Juno Genomics, Inc
Classification: Pathogenic for Pulmonary hypertension, primary, 1. Review status: criteria provided, single submitter. Criteria: ACMG Guidelines, 2015. Collection method: clinical testing. Allele origin: germline. Affected: yes.
Comment: Null variant in a gene where loss of function (LOF) is a known mechanism of disease.;Absent from controls (or at extremely low frequency if recessive) in Genome Aggregation Database, Exome Sequencing Project, 1000 Genomes Project, or Exome Aggregation Consortium.;Patient's phenotype or family history is highly specific for a disease with a single genetic etiology.

NM_001204.7(BMPR2):c.845_852delinsTCTTCATAGA (p.Tyr282fs)

Gene: BMPR2 (bone morphogenetic protein receptor type 2; plus strand). Cytogenetic location: 2q33.2.
Variant type: Indel.
Coding change: c.845_852delinsTCTTCATAGA on transcript NM_001204.7 (MANE Select); coding-DNA positions 845 to 852, ATCCCAAT replaced by TCTTCATAGA.
Protein change: p.Tyr282fs; shifts the reading frame from tyrosine 282.
Molecular consequence: frameshift variant.
Genome position (GRCh38, 1-based): chr2:202,519,045-202,519,052, ATCCCAAT replaced by TCTTCATAGA. VCF-style: chr2-202519045-ATCCCAAT-TCTTCATAGA. GRCh37 (hg19) VCF-style: chr2-203383768-ATCCCAAT-TCTTCATAGA.
Other names: short protein forms Y282fs.
Identifiers: ClinVar variation 3383090 (VCV003383090.2).
Genomic context (GRCh38, chr2:202,519,045, plus strand): 5'-TTGGAGATGAGAGAGTCACTGCAGATGGACGCATGGAATATTTGCTTGTGATGGAGTACT[ATCCCAAT>TCTTCATAGA]GTAAGTTCTTCATAGAAAATAAACTGAGGCCAGGTGTGGTGGCTTATGCCTGTAATCCCA-3'